The following is an entry in ClinVar:

NM_000465.4(BARD1):c.1824T>G (p.Val608=)

Gene: BARD1 (BRCA1 associated RING domain 1; minus strand). Cytogenetic location: 2q35.
Variant type: single nucleotide variant.
Coding change: c.1824T>G on transcript NM_000465.4 (MANE Select); coding-DNA position 1824, T replaced by G.
Protein change: p.Val608=; no amino-acid change (valine 608 retained).
Molecular consequence: synonymous variant. On other transcripts: non-coding transcript variant (3), intron variant (1).
Genome position (GRCh38, 1-based): chr2:214,745,146, A>C on the plus strand (T>G on the coding strand, the complement: BARD1 is on the minus strand). VCF-style: chr2-214745146-A-C. GRCh37 (hg19) VCF-style: chr2-215609870-A-C.
Other names: c.1824T>G (NM_000465.2); c.1767T>G, p.Val589= (NM_001282543.2); c.471T>G, p.Val157= (NM_001282545.2); c.414T>G, p.Val138= (NM_001282548.2); c.365-14638T>G (NM_001282549.2).
Identifiers: ClinVar variation 1125642 (VCV001125642.12), dbSNP rs1268678327, ClinGen allele CA431145335.

ClinVar aggregate classification (germline): Benign/Likely benign. Review status: criteria provided, multiple submitters, no conflicts (2 of 4 stars). 3 submissions from 3 submitters: Benign (1); Likely benign (2). Last evaluated 2025-08-07.

Conditions:
Familial cancer of breast. Also called: BREAST CANCER, FAMILIAL; hereditary breast carcinoma; Hereditary breast cancer. Identifiers: Orphanet 227535, MedGen C0346153, MONDO:0016419, OMIM 114480. Disease mechanism: loss of function.
Hereditary cancer-predisposing syndrome. Also called: Hereditary neoplastic syndrome; Neoplastic Syndromes, Hereditary; Tumor predisposition; Hereditary Cancer Syndrome. Identifiers: Orphanet 140162, MedGen C0027672, MeSH D009386, MONDO:0015356.

Allele frequency attached by ClinVar (database versions not stated): gnomAD 0.00001.
gnomAD v4.1: 2 of 1,613,824 alleles (0.00012%); highest among the groups gnomAD compares: African/African-American, 0.0027%; no homozygotes.

Submissions (3):

Labcorp Genetics (formerly Invitae), Labcorp
Classification: Likely benign for Familial cancer of breast. Last evaluated: 2025-08-07. Review status: criteria provided, single submitter. Criteria: Invitae Variant Classification Sherloc (09022015). Collection method: clinical testing. Allele origin: germline.

Ambry Genetics
Classification: Likely benign for Hereditary cancer-predisposing syndrome. Last evaluated: 2025-05-31. Review status: criteria provided, single submitter. Criteria: Ambry Variant Classification Scheme 2023. Collection method: clinical testing. Allele origin: germline.

Myriad Genetics, Inc.
Classification: Benign for Familial cancer of breast. Last evaluated: 2024-07-26. Review status: criteria provided, single submitter. Criteria: Myriad Autosomal Dominant, Autosomal Recessive and X-Linked Classification Criteria (2023). Collection method: clinical testing. Allele origin: unknown.
Comment: This variant is considered benign. This variant is a silent/synonymous amino acid change and it is not expected to impact splicing.